The following is an entry in ClinVar:

ClinVar aggregate classification (germline): Benign/Likely benign. Review status: criteria provided, multiple submitters, no conflicts (2 of 4 stars). 6 submissions from 6 submitters: Benign (3); Likely benign (3). Last evaluated 2026-01-29.

Conditions:
Hyper-IgE recurrent infection syndrome 1, autosomal dominant. Also called: STAT3 Hyper IgE Syndrome; HYPER-IgE SYNDROME 1, AUTOSOMAL DOMINANT, WITH RECURRENT INFECTIONS; JOB SYNDROME; Hyper-IgE recurrent infection syndrome 1; Job's Syndrome. Identifiers: Orphanet 2314, MedGen C2936739, MONDO:0007818, OMIM 147060.
STAT3 gain of function. Identifiers: MedGen C4288261.

Allele frequency attached by ClinVar (database versions not stated): gnomAD 0.00006 and 0.00007; gnomAD exomes 0.00009 and 0.00021; TOPMed 0.00012; ExAC 0.00014.
gnomAD v4.1: 156 of 1,614,124 alleles (0.0097%); highest among the groups gnomAD compares: Non-Finnish European, 0.0039%; no homozygotes.

Submissions (6):

Women's Health and Genetics/Laboratory Corporation of America, LabCorp
Classification: Benign. Last evaluated: 2026-01-29. Review status: criteria provided, single submitter. Criteria: LabCorp Variant Classification Summary - May 2015. Collection method: clinical testing. Allele origin: germline.

Labcorp Genetics (formerly Invitae), Labcorp
Classification: Benign for STAT3 gain of function; Hyper-IgE recurrent infection syndrome 1, autosomal dominant. Last evaluated: 2025-12-23. Review status: criteria provided, single submitter. Criteria: Invitae Variant Classification Sherloc (09022015). Collection method: clinical testing. Allele origin: germline.

Blueprint Genetics
Classification: Likely benign. Last evaluated: 2024-08-13. Review status: criteria provided, single submitter. Criteria: ACMG Guidelines, 2015. Collection method: clinical testing. Allele origin: germline.

GeneDx
Classification: Likely benign. Last evaluated: 2018-10-08. Review status: criteria provided, single submitter. Criteria: GeneDx Variant Classification Process June 2021. Collection method: clinical testing. Allele origin: germline. Affected: yes.

Illumina Laboratory Services, Illumina
Classification: Benign for Hyper-IgE recurrent infection syndrome 1, autosomal dominant. Last evaluated: 2018-01-13. Review status: criteria provided, single submitter. Criteria: ICSL Variant Classification Criteria 13 December 2019. Collection method: clinical testing. Allele origin: germline.
Comment: This variant was observed in the ICSL laboratory as part of a predisposition screen in an ostensibly healthy population. It had not been previously curated by ICSL or reported in the Human Gene Mutation Database (HGMD: prior to June 1st, 2018), and was therefore a candidate for classification through an automated scoring system. Utilizing variant allele frequency, disease prevalence and penetrance estimates, and inheritance mode, an automated score was calculated to assess if this variant is too frequent to cause the disease. Based on the score and internal cut-off values, a variant classified as benign is not then subjected to further curation. The score for this variant resulted in a classification of benign for this disease.

Breakthrough Genomics
Classification: Likely benign. Review status: criteria provided, single submitter. Criteria: ACMG Guidelines, 2015. Collection method: not provided. Allele origin: germline. Inheritance: Autosomal dominant inheritance. Affected: yes.

NM_139276.3(STAT3):c.2091T>A (p.Ala697=)

Gene: STAT3 (signal transducer and activator of transcription 3; minus strand). Cytogenetic location: 17q21.2.
Variant type: single nucleotide variant.
Coding change: c.2091T>A on transcript NM_139276.3 (MANE Select); coding-DNA position 2091, T replaced by A.
Protein change: p.Ala697=; no amino-acid change (alanine 697 retained).
Molecular consequence: synonymous variant.
Genome position (GRCh38, 1-based): chr17:42,322,292, A>T on the plus strand (T>A on the coding strand, the complement: STAT3 is on the minus strand). VCF-style: chr17-42322292-A-T. GRCh37 (hg19) VCF-style: chr17-40474310-A-T.
Other names: c.2091T>A, p.Ala697= (NM_001369512.1, NM_001369513.1, NM_001369514.1 and 9 more transcripts); c.2007T>A, p.Ala669= (NM_001384984.1); c.2013T>A, p.Ala671= (NM_001384985.1); c.2106T>A, p.Ala702= (NM_001384986.1, NM_001384990.1); c.2070T>A, p.Ala690= (NM_001384987.1); c.1995T>A, p.Ala665= (NM_001384989.1); c.2064T>A, p.Ala688= (NM_001384991.1); c.2031T>A, p.Ala677= (NM_001384992.1).
Identifiers: ClinVar variation 323242 (VCV000323242.23), dbSNP rs200529713, ClinGen allele CA8575171.
Genomic context (GRCh38, chr17:42,322,292, plus strand): 5'-TTCCAACTTTTCCCAAAAATTAAATGCCAGGAACATGGAAAATCAACAACTACCTGGGTC[A>T]GCTTCAGGATGCTCCTGGCTCTCTGGCCGACAATACTTTCCGAATGCCTCCTCCTTGGGA-3'
Protein context (NP_644805.1, residues 687-707): CRPESQEHPE[Ala697=]DPGSAAPYLK